The following is an entry in ClinVar:

NM_002335.4(LRP5):c.272A>C (p.Tyr91Ser)

Gene: LRP5 (LDL receptor related protein 5; plus strand). Cytogenetic location: 11q13.2.
Variant type: single nucleotide variant.
Coding change: c.272A>C on transcript NM_002335.4 (MANE Select); coding-DNA position 272, A replaced by C.
Protein change: p.Tyr91Ser; replaces tyrosine 91 with serine.
Molecular consequence: missense variant. On other transcripts: 5 prime UTR variant (1).
Genome position (GRCh38, 1-based): chr11:68,348,027, A>C. VCF-style: chr11-68348027-A-C. GRCh37 (hg19) VCF-style: chr11-68115495-A-C.
Other names: c.-1494A>C (NM_001291902.2); short protein forms Y91S.
Identifiers: ClinVar variation 3634223 (VCV003634223.2).

ClinVar aggregate classification (germline): Uncertain significance (1 of 4 stars; one submission).

Submission:

Labcorp Genetics (formerly Invitae), Labcorp
Classification: Uncertain significance. Last evaluated: 2025-01-30. Review status: criteria provided, single submitter. Criteria: Invitae Variant Classification Sherloc (09022015). Collection method: clinical testing. Allele origin: germline.
Comment: This sequence change replaces tyrosine, which is neutral and polar, with serine, which is neutral and polar, at codon 91 of the LRP5 protein (p.Tyr91Ser). This variant is not present in population databases (gnomAD no frequency). This variant has not been reported in the literature in individuals affected with LRP5-related conditions. Invitae Evidence Modeling of protein sequence and biophysical properties (such as structural, functional, and spatial information, amino acid conservation, physicochemical variation, residue mobility, and thermodynamic stability) indicates that this missense variant is not expected to disrupt LRP5 protein function with a negative predictive value of 95%. In summary, the available evidence is currently insufficient to determine the role of this variant in disease. Therefore, it has been classified as a Variant of Uncertain Significance.